The following is an entry in ClinVar:

ClinVar aggregate classification (germline): Uncertain significance. Review status: criteria provided, multiple submitters, no conflicts (2 of 4 stars). 2 submissions from 2 submitters: Uncertain significance (2). Last evaluated 2026-05-16.

Conditions:
ANKRD11-related disorder. Also called: ANKRD11-related condition.
Inborn genetic diseases. Identifiers: MedGen C0950123, MeSH D030342.

gnomAD v4.1: 1 of 1,613,920 alleles (0.000062%); highest among the groups gnomAD compares: Non-Finnish European, 0.000085%; no homozygotes.

Submissions (2):

PreventionGenetics, part of Exact Sciences
Classification: Uncertain significance for ANKRD11-related condition. Last evaluated: 2026-05-16. Review status: criteria provided, single submitter. Criteria: ACMG Guidelines, 2015. Collection method: clinical testing. Allele origin: germline.
Comment: The ANKRD11 c.4660A>G variant is predicted to result in the amino acid substitution p.Lys1554Glu. To our knowledge, this variant has not been reported in the literature or in a large population database (gnomAD), indicating this variant is rare. At this time, the clinical significance of this variant is uncertain due to the absence of conclusive functional and genetic evidence.

Ambry Genetics
Classification: Uncertain significance for Inborn genetic diseases. Last evaluated: 2025-04-01. Review status: criteria provided, single submitter. Criteria: Ambry Variant Classification Scheme 2023. Collection method: clinical testing. Allele origin: germline.

NM_013275.6(ANKRD11):c.4660A>G (p.Lys1554Glu)

Gene: ANKRD11 (ankyrin repeat domain 11; minus strand). Cytogenetic location: 16q24.3.
Variant type: single nucleotide variant.
Coding change: c.4660A>G on transcript NM_013275.6 (MANE Select); coding-DNA position 4660, A replaced by G.
Protein change: p.Lys1554Glu; replaces lysine 1554 with glutamic acid.
Molecular consequence: missense variant.
Genome position (GRCh38, 1-based): chr16:89,281,882, T>C on the plus strand (A>G on the coding strand, the complement: ANKRD11 is on the minus strand). VCF-style: chr16-89281882-T-C. GRCh37 (hg19) VCF-style: chr16-89348290-T-C.
Other names: c.4660A>G (NM_013275.5); c.4660A>G, p.Lys1554Glu (NM_001256182.2, NM_001256183.2); short protein forms K1554E.
Identifiers: ClinVar variation 4054226 (VCV004054226.2).
Genomic context (GRCh38, chr16:89,281,882, plus strand): 5'-CCAGGAGCTTCTCCCTGGGCCTGGCGTCTTTCTTGCCTGGGTCTTTGGATGGCGCTACCT[T>C]ATCATTCCCGTTGCTCATCTTCACTGGGTCGCCCTTTTCTTTCTCTGCACCGTCCTTGAA-3'
Protein context (NP_037407.4, residues 1544-1564): DPVKMSNGND[Lys1554Glu]VAPSKDPGKK